The following continues an entry in ClinVar:

NM_007294.4(BRCA1):c.2597G>A (p.Arg866His)

Gene: BRCA1. ClinVar aggregate classification (germline): Benign. Benign (1).

Submissions 11 to 18 of 18:

CHEO Genetics Diagnostic Laboratory, Children's Hospital of Eastern Ontario
Classification: Uncertain significance for Breast and/or ovarian cancer. Last evaluated: 2022-12-20. Review status: criteria provided, single submitter. Criteria: ACMG Guidelines, 2015. Collection method: clinical testing. Allele origin: germline. Not counted in ClinVar's aggregate classification.

National Health Laboratory Service, Universitas Academic Hospital and University of the Free State
Classification: Likely pathogenic for Hereditary breast ovarian cancer syndrome. Last evaluated: 2021-11-16. Review status: criteria provided, single submitter. Criteria: ACMG Guidelines, 2015. Collection method: clinical testing. Allele origin: germline. Affected: yes. Observed: 1 variant allele. Not counted in ClinVar's aggregate classification.

Sema4
Classification: Uncertain significance for Hereditary cancer-predisposing syndrome. Last evaluated: 2021-09-20. Review status: criteria provided, single submitter. Criteria: Sema4 Curation Guidelines. Collection method: curation. Allele origin: germline. Not counted in ClinVar's aggregate classification.
Comment: The BRCA1 c.2597G>A (p.R866H) variant has been reported in heterozygosity in individuals with breast and ovarian cancer (PMID: 24504028, 25948282, 32846166, 34218100). It has also been seen in healthy controls (PMID: 28993434, 33471991). It was observed in 5/282454 chromosomes in all subpopulations in the large and broad cohorts of the Genome Aggregation Database (PMID: 32461654). The variant has been reported in ClinVar (Variation ID 54613). In silico tools suggest the impact of the variant on protein function is deleterious, though these predictions have not been confirmed by functional studies. The evidence is insufficient to meet ACMG/AMP criteria for classifying the variant as benign or pathogenic. Thus, the clinical significance of this variant is currently uncertain.

Quest Diagnostics Nichols Institute San Juan Capistrano
Classification: Uncertain significance. Last evaluated: 2019-03-26. Review status: criteria provided, single submitter. Criteria: Quest Diagnostics criteria. Collection method: clinical testing. Allele origin: germline. Not counted in ClinVar's aggregate classification.

Molecular Genetics Laboratory, University of Michigan
Classification: Uncertain significance for Breast-ovarian cancer, familial, susceptibility to, 1. Last evaluated: 2014-11-03. Review status: criteria provided, single submitter. Criteria: ACMG Guidelines, 2015. Collection method: clinical testing. Allele origin: germline. Affected: yes. Not counted in ClinVar's aggregate classification.

Sharing Clinical Reports Project (SCRP)
Classification: Uncertain significance for Breast-ovarian cancer, familial 1. Last evaluated: 2009-05-28. Review status: no assertion criteria provided. Collection method: clinical testing. Allele origin: germline. Not counted in ClinVar's aggregate classification.

Breast Cancer Information Core (BIC) (BRCA1)
Classification: Uncertain significance for Breast-ovarian cancer, familial 1. Last evaluated: 2003-12-23. Review status: no assertion criteria provided. Collection method: clinical testing. Allele origin: germline. Affected: yes. Observed: 2 variant alleles. Not counted in ClinVar's aggregate classification.

Department of Pathology and Laboratory Medicine, Sinai Health System
Classification: Uncertain significance. Review status: no assertion criteria provided. Collection method: clinical testing. Allele origin: unknown. Affected: yes. Study: The Canadian Open Genetics Repository (COGR). Not counted in ClinVar's aggregate classification.
Comment: The BRCA1 p.Arg866His variant was identified in 3 of 8500 proband chromosomes (frequency: 0.0004) from American, Polish, German and Malaysian individuals or families with breast or ovarian cancer and was present in 1 of 5618 control chromosomes (frequency:0.0002) from healthy individuals (Cunningham 2014, Kluska 2015, Meyer 2003, Wen 2018). In a functional study using a minigene assay to look at the splicing effect of BRCA1 exon 11 unclassified variants, the variant did not show an effect on splicing (Anczukâˆšâ‰¥w 2008). The variant was identified in dbSNP (ID: rs80356911) â€šÃ„ÃºWith Uncertain significance alleleâ€šÃ„Ã¹, ClinVar (classified as uncertain significance; submitters: Ambry Genetics, GeneDx, Invitae, SCRP, BIC, Michigan Medical Genetics Laboratories (University of Michigan), Integrated Genetics Laboratory Corporation of America, Mendelics and Quest Diagnostics Nichols Institute San Juan Capistrano), LOVD 3.0, and UMD-LSDB (classified 3-UV). The variant was identified in control databases in 5 of 276800 chromosomes at a frequency of 0.00002 (Genome Aggregation Database Feb 27, 2017), observed in the following populations: African in 1 of 24024 chromosomes (freq: 0.00004), European Non-Finnish in 3 of 126552 chromosomes (freq: 0.00002), and South Asian in 1 of 30766 chromosomes (freq: 0.00003) while not observed in the Other, Latino, Ashkenazi Jewish, East Asian, and European Finnish populations. The p.Arg866 residue is conserved in mammals and computational analyses (PolyPhen-2, SIFT, AlignGVGD, BLOSUM, MutationTaster) provide inconsistent predictions regarding the impact to the protein; this information is not very predictive of pathogenicity. The variant occurs outside of the splicing consensus sequence and in silico or computational prediction software programs (SpliceSiteFinder, MaxEntScan, NNSPLICE, GeneSplicer) do not predict a difference in splicing. In summary, based on the above information the clinical significance of this variant cannot be determined with certainty at this time. This variant is classified as a variant of uncertain significance.

Literature cited by the submitters: PubMed 31131967 (cited by Evidence-based Network for the Interpretation of Germline Mutant Alleles (ENIGMA) and All of Us Research Program, National Institutes of Health); PubMed 15385441 (cited by Women's Health and Genetics/Laboratory Corporation of America, LabCorp); PubMed 12938098 (cited by 3 submitters); PubMed 24504028 (cited by 5 submitters); PubMed 18273839 (cited by 4 submitters); PubMed 25948282 (cited by 5 submitters); PubMed 28993434 (cited by 4 submitters); PubMed 31112341 (cited by Women's Health and Genetics/Laboratory Corporation of America, LabCorp); PubMed 34218100 (cited by 3 submitters); PubMed 35264596 (cited by Women's Health and Genetics/Laboratory Corporation of America, LabCorp and Ambry Genetics); PubMed 32846166 (cited by 3 submitters); PubMed 35464868 (cited by Women's Health and Genetics/Laboratory Corporation of America, LabCorp and Ambry Genetics); PubMed 33471991 (cited by All of Us Research Program, National Institutes of Health and Sema4); DOI 10.3389/fgene.2022.834265 (cited by National Health Laboratory Service, Universitas Academic Hospital and University of the Free State).